The following is an entry in ClinVar:

ClinVar aggregate classification (germline): Likely benign (1 of 4 stars; one submission).

Allele frequency attached by ClinVar (database versions not stated): gnomAD exomes 0.00002; ExAC 0.00075; gnomAD 0.00076.
gnomAD v4.1: 137 of 1,510,698 alleles (0.0091%); highest among the groups gnomAD compares: African/African-American, 0.25%; 4 homozygotes.

Submission:

CeGaT Center for Human Genetics Tuebingen
Classification: Likely benign. Last evaluated: 2023-04-01. Review status: criteria provided, single submitter. Criteria: CeGaT Center For Human Genetics Tuebingen Variant Classification Criteria Version 2. Collection method: clinical testing. Allele origin: germline. Affected: yes. Observed: 1 variant allele.
Comment: MUC4: BP4, BS2

NM_018406.7(MUC4):c.3229A>G (p.Ser1077Gly)

Gene: MUC4 (mucin 4, cell surface associated). Cytogenetic location: 3q29.
Variant type: single nucleotide variant.
Coding change: c.3229A>G on transcript NM_018406.7 (MANE Select); coding-DNA position 3229, A replaced by G.
Protein change: p.Ser1077Gly; replaces serine 1077 with glycine.
Molecular consequence: missense variant. On other transcripts: genic upstream transcript variant (2).
Genome position (GRCh38, 1-based): chr3:195,788,351, T>C on the plus strand (A>G on the coding strand, the complement: MUC4 is on the minus strand). VCF-style: chr3-195788351-T-C. GRCh37 (hg19) VCF-style: chr3-195515222-T-C.
Other names: c.3292A>G, p.Ser1098Gly (NM_001322468.1); c.83-14046A>G (NM_138297.5); c.83-9896A>G (NM_004532.6); short protein forms S1077G, S1098G.
Identifiers: ClinVar variation 2654483 (VCV002654483.24), dbSNP rs773326766, ClinGen allele CA2774663.
Genomic context (GRCh38, chr3:195,788,351, plus strand): 5'-CTGAGGAAGTGTCAGTGACAGGAAGAGGGGTGGTGTCACCTGTGGATGCTGAGGAAAGGC[T>C]GGTGACAGGAAGAGGGGTGACGTGACCTGTGGATGCTGAGGAAGTGTCAGTGACAGGAAG-3'
Protein context (NP_060876.5, residues 1067-1087): TGHVTPLPVT[Ser1077Gly]LSSASTGDTT